The following is an entry in ClinVar:

ClinVar aggregate classification (germline): Likely benign (1 of 4 stars; one submission).

Allele frequency attached by ClinVar (database versions not stated): 1000 Genomes Project 30x 0.00031; ESP Exome Variant Server 0.00053; gnomAD 0.00054; TOPMed 0.00054; ExAC 0.00057; gnomAD exomes 0.00084; 1000 Genomes Project 0.00100.
gnomAD v4.1: 1,151 of 1,444,510 alleles (0.08%); highest among the groups gnomAD compares: Non-Finnish European, 0.1%; no homozygotes.

Submission:

CeGaT Center for Human Genetics Tuebingen
Classification: Likely benign. Last evaluated: 2023-07-01. Review status: criteria provided, single submitter. Criteria: CeGaT Center For Human Genetics Tuebingen Variant Classification Criteria Version 2. Collection method: clinical testing. Allele origin: germline. Affected: yes. Observed: 2 variant alleles.
Comment: NOVA2: BP4, BP7

NM_002516.4(NOVA2):c.948C>T (p.Ala316=)

Gene: NOVA2 (NOVA alternative splicing regulator 2; minus strand). Cytogenetic location: 19q13.32.
Variant type: single nucleotide variant.
Coding change: c.948C>T on transcript NM_002516.4 (MANE Select); coding-DNA position 948, C replaced by T.
Protein change: p.Ala316=; no amino-acid change (alanine 316 retained).
Molecular consequence: synonymous variant.
Genome position (GRCh38, 1-based): chr19:45,940,394, G>A on the plus strand (C>T on the coding strand, the complement: NOVA2 is on the minus strand). VCF-style: chr19-45940394-G-A. GRCh37 (hg19) VCF-style: chr19-46443652-G-A.
Identifiers: ClinVar variation 2650136 (VCV002650136.24), dbSNP rs373683710, ClinGen allele CA9525336.